The following is an entry in ClinVar:

NM_000282.4(PCCA):c.638-1G>A

Gene: PCCA (propionyl-CoA carboxylase subunit alpha; plus strand). Cytogenetic location: 13q32.3.
Variant type: single nucleotide variant.
Coding change: c.638-1G>A on transcript NM_000282.4 (MANE Select); the canonical splice acceptor site of the intron before coding-DNA position 638, G replaced by A.
Molecular consequence: splice acceptor variant. On other transcripts: intron variant (3).
Genome position (GRCh38, 1-based): chr13:100,257,594, G>A. VCF-style: chr13-100257594-G-A. GRCh37 (hg19) VCF-style: chr13-100909848-G-A.
Other names: c.638-1G>A (NM_001352606.2, NM_001352609.2, NM_001178004.2 and 1 more transcripts); c.-229-5135G>A (NM_001352610.2, NM_001352611.2, NM_001352612.2); c.560-1G>A (NM_001127692.3, NM_001352607.2, NM_001352608.2).
Identifiers: ClinVar variation 2109283 (VCV002109283.4), dbSNP rs2547899480, ClinGen allele CA388694029.

ClinVar aggregate classification (germline): Likely pathogenic (1 of 4 stars; one submission).

Conditions:
Propionic acidemia (PROP). Also called: GLYCINEMIA, KETOTIC; HYPERGLYCINEMIA WITH KETOACIDOSIS AND LEUKOPENIA; KETOTIC HYPERGLYCINEMIA. Identifiers: Orphanet 35, MedGen C0268579, MONDO:0011628, OMIM 606054, HP:0003571.

Allele frequency attached by ClinVar (database versions not stated): gnomAD exomes below 0.00001.
gnomAD v4.1: 1 of 1,611,972 alleles (0.000062%); highest among the groups gnomAD compares: Non-Finnish European, 0.000085%; no homozygotes.

Submission:

Labcorp Genetics (formerly Invitae), Labcorp
Classification: Likely pathogenic for Propionic acidemia. Last evaluated: 2022-03-11. Review status: criteria provided, single submitter. Criteria: Invitae Variant Classification Sherloc (09022015). Collection method: clinical testing. Allele origin: germline.
Comment: This sequence change affects an acceptor splice site in intron 8 of the PCCA gene. It is expected to disrupt RNA splicing. Variants that disrupt the donor or acceptor splice site typically lead to a loss of protein function (PMID: 16199547), and loss-of-function variants in PCCA are known to be pathogenic (PMID: 15464417). This variant is not present in population databases (gnomAD no frequency). This variant has not been reported in the literature in individuals affected with PCCA-related conditions. Algorithms developed to predict the effect of sequence changes on RNA splicing suggest that this variant may disrupt the consensus splice site. In summary, the currently available evidence indicates that the variant is pathogenic, but additional data are needed to prove that conclusively. Therefore, this variant has been classified as Likely Pathogenic.

Literature cited by the submitters: PubMed 16199547; PubMed 15464417.